The following is an entry in ClinVar:

ClinVar aggregate classification (germline): Uncertain significance. Review status: criteria provided, multiple submitters, no conflicts (2 of 4 stars). 5 submissions from 5 submitters: Uncertain significance (5). Last evaluated 2025-10-13.

Conditions:
Inborn genetic diseases. Identifiers: MedGen C0950123, MeSH D030342.
NPHP3-related disorder. Also called: NPHP3-related disorders; NPHP3-related condition. Identifiers: MedGen CN379163.
NPHP3-related Meckel-like syndrome. Also called: Meckel syndrome type 7; GOLDSTON SYNDROME. Identifiers: Orphanet 3032, MedGen C2673885, MONDO:0009966, OMIM 267010.
Nephronophthisis 3 (NPHP3). Also called: Adolescent nephronophthisis. Identifiers: Orphanet 655, MedGen C1858392, MONDO:0011456, OMIM 604387.
Renal-hepatic-pancreatic dysplasia 1 (RHPD1). Identifiers: MedGen C3715199, MONDO:0008833, OMIM 208540.
Nephronophthisis. Also called: Juvenile Nephronophthisis. Identifiers: Orphanet 655, MedGen C0687120, MONDO:0019005, HP:0000090.

Allele frequency attached by ClinVar (database versions not stated): gnomAD exomes 0.00001; ExAC 0.00002; gnomAD 0.00008 and 0.00010; TOPMed 0.00011.
gnomAD v4.1: 32 of 1,613,988 alleles (0.002%); highest among the groups gnomAD compares: African/African-American, 0.024%; no homozygotes.

Submissions (5):

Labcorp Genetics (formerly Invitae), Labcorp
Classification: Uncertain significance for Nephronophthisis. Last evaluated: 2025-10-13. Review status: criteria provided, single submitter. Criteria: Invitae Variant Classification Sherloc (09022015). Collection method: clinical testing. Allele origin: germline.
Comment: This sequence change replaces glycine, which is neutral and non-polar, with serine, which is neutral and polar, at codon 719 of the NPHP3 protein (p.Gly719Ser). This variant is present in population databases (rs369022568, gnomAD 0.01%). This variant has not been reported in the literature in individuals affected with NPHP3-related conditions. ClinVar contains an entry for this variant (Variation ID: 954988). An algorithm developed to predict the effect of missense changes on protein structure and function outputs the following: PolyPhen-2: "Benign". The serine amino acid residue is found in multiple mammalian species, which suggests that this missense change does not adversely affect protein function. In summary, the available evidence is currently insufficient to determine the role of this variant in disease. Therefore, it has been classified as a Variant of Uncertain Significance.

PreventionGenetics, part of Exact Sciences
Classification: Uncertain significance for NPHP3-related condition. Last evaluated: 2025-05-16. Review status: criteria provided, single submitter. Criteria: ACMG Guidelines, 2015. Collection method: clinical testing. Allele origin: germline.
Comment: The NPHP3 c.2155G>A variant is predicted to result in the amino acid substitution p.Gly719Ser. To our knowledge, this variant has not been reported in the literature. This variant is reported in 0.012% of alleles in individuals of African descent in gnomAD. At this time, the clinical significance of this variant is uncertain due to the absence of conclusive functional and genetic evidence.

Mayo Clinic Laboratories, Mayo Clinic
Classification: Uncertain significance. Last evaluated: 2024-02-27. Review status: criteria provided, single submitter. Criteria: ACMG Guidelines, 2015. Collection method: clinical testing. Allele origin: germline. Observed: 1 variant allele.
Comment: BP4, PM2

Ambry Genetics
Classification: Uncertain significance for Inborn genetic diseases. Last evaluated: 2024-01-29. Review status: criteria provided, single submitter. Criteria: Ambry Variant Classification Scheme 2023. Collection method: clinical testing. Allele origin: germline.

Fulgent Genetics
Classification: Uncertain significance for Renal-hepatic-pancreatic dysplasia 1; NPHP3-related Meckel-like syndrome; Nephronophthisis 3. Last evaluated: 2022-01-05. Review status: criteria provided, single submitter. Criteria: ACMG Guidelines, 2015. Collection method: clinical testing. Allele origin: unknown.

NM_153240.5(NPHP3):c.2155G>A (p.Gly719Ser)

Genes: NPHP3 (nephrocystin 3; minus strand), NPHP3-ACAD11 (NPHP3-ACAD11 readthrough (NMD candidate); minus strand). Cytogenetic location: 3q22.1.
Variant type: single nucleotide variant.
Coding change: c.2155G>A on transcript NM_153240.5 (MANE Select); coding-DNA position 2155, G replaced by A.
Protein change: p.Gly719Ser; replaces glycine 719 with serine.
Molecular consequence: missense variant. On other transcripts: non-coding transcript variant (1).
Genome position (GRCh38, 1-based): chr3:132,696,747, C>T on the plus strand (G>A on the coding strand, the complement: NPHP3 is on the minus strand). VCF-style: chr3-132696747-C-T. GRCh37 (hg19) VCF-style: chr3-132415591-C-T.
Other names: p.Gly719Ser; short protein forms G719S.
Identifiers: ClinVar variation 954988 (VCV000954988.12), dbSNP rs369022568, ClinGen allele CA2622103.
Genomic context (GRCh38, chr3:132,696,747, plus strand): 5'-AACACAAAACATGCAGAAGATCATGTAAAATAATCACCACTCACCGCGCGATCATTTTGC[C>T]GAAAAGGGTGACATAAAGGGCATTGCAGGTTGTAGCAGAACGACAGTGTCGTTCTAGCTT-3'
Protein context (NP_694972.3, residues 709-729): TCNALYVTLF[Gly719Ser]KMIARAGRAG